The following is an entry in ClinVar:

NM_001330260.2(SCN8A):c.4674C>A (p.Asn1558Lys)

Gene: SCN8A (sodium voltage-gated channel alpha subunit 8; plus strand). Cytogenetic location: 12q13.13.
Variant type: single nucleotide variant.
Coding change: c.4674C>A on transcript NM_001330260.2 (MANE Select); coding-DNA position 4674, C replaced by A.
Protein change: p.Asn1558Lys; replaces asparagine 1558 with lysine.
Molecular consequence: missense variant.
Genome position (GRCh38, 1-based): chr12:51,794,520, C>A. VCF-style: chr12-51794520-C-A. GRCh37 (hg19) VCF-style: chr12-52188304-C-A.
Other names: c.4551C>A, p.Asn1517Lys (NM_001177984.3, NM_001369788.1); c.4674C>A, p.Asn1558Lys (NM_014191.4); short protein forms N1517K, N1558K.
Identifiers: ClinVar variation 3377217 (VCV003377217.1).
Genomic context (GRCh38, chr12:51,794,520, plus strand): 5'-AATGATGGTGGAGACAGACACTCAAAGCAAGCAGATGGAGAACATCCTCTACTGGATTAA[C>A]CTGGTGTTTGTTATCTTCTTCACCTGTGAGTGTGTGCTCAAAATGTTTGCGTTGAGGCAC-3'
Protein context (NP_001317189.1, residues 1548-1568): KQMENILYWI[Asn1558Lys]LVFVIFFTCE

ClinVar aggregate classification (germline): Likely pathogenic (1 of 4 stars; one submission).

Conditions:
Developmental and epileptic encephalopathy, 13 (DEE13). Also called: Developmental and Epileptic Encephalopathy (SCN8A-DEE); Early infantile epileptic encephalopathy 13; SCN8A-Related Epilepsy. Identifiers: Orphanet 442835, MedGen C3281191, MONDO:0013801, OMIM 614558.

Submission:

Victorian Clinical Genetics Services, Murdoch Childrens Research Institute
Classification: Likely pathogenic for Developmental and epileptic encephalopathy, 13. Last evaluated: 2024-09-20. Review status: criteria provided, single submitter. Criteria: ACMG Guidelines, 2015. Collection method: clinical testing. Allele origin: germline. Inheritance: Autosomal dominant inheritance. Affected: yes.
Comment: Based on the classification scheme VCGS_Germline_v1.3.4, this variant is classified as Likely Pathogenic. Following criteria are met: 0103 - Loss of function and gain of function are known mechanisms of disease in this gene, and are associated with cognitive impairment with or without cerebellar ataxia (MIM#614306) and developmental and epileptic encephalopathy 13 (MIM#614558), respectively. In addition, gain of function is speculated for seizures, benign familial infantile, 5 (MIM#617080) (PMID: 31904124, OMIM). (I) 0107 - This gene is associated with autosomal dominant disease. (I) 0200 - Variant is predicted to result in a missense amino acid change from asparagine to lysine. (I) 0251 - This variant is heterozygous. (I) 0301 - Variant is absent from gnomAD (both v2 and v3). (SP) 0501 - Missense variant consistently predicted to be damaging by multiple in silico tools or highly conserved with a major amino acid change. (SP) 0603 - Missense variant in a region that is highly intolerant to missense variation (high constraint region in DECIPHER). (SP) 0710 - Another missense variant comparable to the one identified in this case has inconclusive previous evidence for pathogenicity. p.(Asn1558Asp) has been reported as mosaic in one individual; however, no phenotype was provided (PMID: 32092540). (I) 0807 - This variant has no previous evidence of pathogenicity. (I) 0905 - No published segregation evidence has been identified for this variant. (I) 1007 - No published functional evidence has been identified for this variant. (SP) Legend: (SP) - Supporting pathogenic, (I) - Information, (SB) - Supporting benign

Literature cited by the submitters: PubMed 31904124; PubMed 32092540.